The following is an entry in ClinVar:

ClinVar aggregate classification (germline): Likely benign. Review status: criteria provided, multiple submitters, no conflicts (2 of 4 stars). 2 submissions from 2 submitters: Likely benign (2). Last evaluated 2026-04-01.

Allele frequency attached by ClinVar (database versions not stated): gnomAD exomes 0.00005; ExAC 0.00006; ESP Exome Variant Server 0.00008; 1000 Genomes Project 30x 0.00016; TOPMed 0.00017; gnomAD 0.00019; 1000 Genomes Project 0.00020.
gnomAD v4.1: 108 of 1,613,522 alleles (0.0067%); highest among the groups gnomAD compares: Middle Eastern, 0.12%; no homozygotes.

Submissions (2):

CeGaT Center for Human Genetics Tuebingen
Classification: Likely benign. Last evaluated: 2026-04-01. Review status: criteria provided, single submitter. Criteria: CeGaT Center For Human Genetics Tuebingen Variant Classification Criteria Version 2. Collection method: clinical testing. Allele origin: germline. Affected: yes. Observed: 3 variant alleles.
Comment: CUL3: BP4, BP7

Labcorp Genetics (formerly Invitae), Labcorp
Classification: Likely benign. Last evaluated: 2025-12-19. Review status: criteria provided, single submitter. Criteria: Invitae Variant Classification Sherloc (09022015). Collection method: clinical testing. Allele origin: germline.

NM_003590.5(CUL3):c.2088C>T (p.Asp696=)

Gene: CUL3 (cullin 3; minus strand). Cytogenetic location: 2q36.2.
Variant type: single nucleotide variant.
Coding change: c.2088C>T on transcript NM_003590.5 (MANE Select); coding-DNA position 2088, C replaced by T.
Protein change: p.Asp696=; no amino-acid change (aspartic acid 696 retained).
Molecular consequence: synonymous variant.
Genome position (GRCh38, 1-based): chr2:224,478,287, G>A on the plus strand (C>T on the coding strand, the complement: CUL3 is on the minus strand). VCF-style: chr2-224478287-G-A. GRCh37 (hg19) VCF-style: chr2-225343004-G-A.
Other names: c.1890C>T, p.Asp630= (NM_001257197.2); c.2106C>T, p.Asp702= (NM_001257198.2).
Identifiers: ClinVar variation 2195670 (VCV002195670.28), dbSNP rs374533358, ClinGen allele CA2139844.
Genomic context (GRCh38, chr2:224,478,287, plus strand): 5'-CTTCTTTCTAGATTTCATTATCCGCACTATAGCAGCTTCTATCTCATGTTTTCTGTCGTC[G>A]TCTACTTTCTGCCTTGTTTCTTTCCTCTCTGGGTCGGATTCACCTTGTTTGGCAGCAACT-3'
Protein context (NP_003581.1, residues 686-706): PERKETRQKV[Asp696=]DDRKHEIEAA